The following is an entry in ClinVar:

NM_201253.3(CRB1):c.3466G>A (p.Asp1156Asn)

Gene: CRB1 (crumbs cell polarity complex component 1; plus strand). Cytogenetic location: 1q31.3.
Variant type: single nucleotide variant.
Coding change: c.3466G>A on transcript NM_201253.3 (MANE Select); coding-DNA position 3466, G replaced by A.
Protein change: p.Asp1156Asn; replaces aspartic acid 1156 with asparagine.
Molecular consequence: missense variant. On other transcripts: non-coding transcript variant (2), intron variant (1).
Genome position (GRCh38, 1-based): chr1:197,435,329, G>A. VCF-style: chr1-197435329-G-A. GRCh37 (hg19) VCF-style: chr1-197404459-G-A.
Other names: c.3130G>A, p.Asp1044Asn (NM_001193640.2); c.3394G>A, p.Asp1132Asn (NM_001257965.2); c.2129-271G>A (NM_001257966.2); c.3466G>A (NM_201253.2); short protein forms D1044N, D1156N, D1132N.
Identifiers: ClinVar variation 2081447 (VCV002081447.3), dbSNP rs374194344, ClinGen allele CA1312339.

ClinVar aggregate classification (germline): Uncertain significance. Review status: criteria provided, multiple submitters, no conflicts (2 of 4 stars). 3 submissions from 3 submitters: Uncertain significance (3). Last evaluated 2024-09-30.

Conditions:
Inborn genetic diseases. Identifiers: MedGen C0950123, MeSH D030342.
Leber congenital amaurosis 8 (LCA8). Identifiers: Orphanet 65, MedGen C3151202, MONDO:0013453, OMIM 613835.
Retinitis pigmentosa 12 (RP12). Also called: RP WITH OR WITHOUT PPRPE; RP WITH OR WITHOUT PRESERVED PARAARTERIOLE RETINAL PIGMENT EPITHELIUM; RETINITIS PIGMENTOSA WITH OR WITHOUT PARAARTERIOLAR PRESERVATION OF RETINAL PIGMENT EPITHELIUM. Identifiers: Orphanet 791, MedGen C1838647, MONDO:0010818, OMIM 600105.

Allele frequency attached by ClinVar (database versions not stated): ExAC 0.00006; ESP Exome Variant Server 0.00008; gnomAD 0.00014; TOPMed 0.00014.
gnomAD v4.1: 35 of 1,613,640 alleles (0.0022%); highest among the groups gnomAD compares: African/African-American, 0.043%; no homozygotes.

Submissions (3):

Ambry Genetics
Classification: Uncertain significance for Inborn genetic diseases. Last evaluated: 2024-09-30. Review status: criteria provided, single submitter. Criteria: Ambry Variant Classification Scheme 2023. Collection method: clinical testing. Allele origin: germline.

Blueprint Genetics
Classification: Uncertain significance. Last evaluated: 2022-10-07. Review status: criteria provided, single submitter. Criteria: ACMG Guidelines, 2015. Collection method: clinical testing. Allele origin: germline.

Labcorp Genetics (formerly Invitae), Labcorp
Classification: Uncertain significance for Leber congenital amaurosis 8; Retinitis pigmentosa 12. Last evaluated: 2022-04-07. Review status: criteria provided, single submitter. Criteria: Invitae Variant Classification Sherloc (09022015). Collection method: clinical testing. Allele origin: germline.
Comment: This sequence change replaces aspartic acid, which is acidic and polar, with asparagine, which is neutral and polar, at codon 1156 of the CRB1 protein (p.Asp1156Asn). This variant is present in population databases (rs374194344, gnomAD 0.05%). This variant has not been reported in the literature in individuals affected with CRB1-related conditions. Advanced modeling of protein sequence and biophysical properties (such as structural, functional, and spatial information, amino acid conservation, physicochemical variation, residue mobility, and thermodynamic stability) performed at Invitae indicates that this missense variant is expected to disrupt CRB1 protein function. In summary, the available evidence is currently insufficient to determine the role of this variant in disease. Therefore, it has been classified as a Variant of Uncertain Significance.